The following is an entry in ClinVar:

NM_022095.4(ZNF335):c.1887_1890del (p.Cys630fs)

Gene: ZNF335 (zinc finger protein 335; minus strand). Cytogenetic location: 20q13.12.
Variant type: Microsatellite.
Coding change: c.1887_1890del on transcript NM_022095.4 (MANE Select); coding-DNA positions 1887 to 1890, 4 bases deleted (TTGT; older notation c.1887_1890delTTGT).
Protein change: p.Cys630fs; shifts the reading frame from cysteine 630.
Molecular consequence: frameshift variant.
Genome position (GRCh38, 1-based): chr20:45,960,338-45,960,341, ACAA deleted on the plus strand (TTGT on the coding strand, the reverse complement: ZNF335 is on the minus strand); deleting any 4 consecutive bases within chr20:45,960,338-45,960,347 gives the same sequence; the c. name uses the placement nearest the transcript's 3' end. VCF-style (leftmost placement, unchanged base first): chr20-45960337-CACAA-C. GRCh37 (hg19) VCF-style: chr20-44588976-CACAA-C.
Other names: short protein forms C630fs.
Identifiers: ClinVar variation 817743 (VCV000817743.1), dbSNP rs1334014929, ClinGen allele CA636176308.

ClinVar aggregate classification (germline): Likely pathogenic (1 of 4 stars; one submission).

Submission:

GeneDx
Classification: Likely pathogenic. Last evaluated: 2018-07-28. Review status: criteria provided, single submitter. Criteria: GeneDx Variant Classification (06012015). Collection method: clinical testing. Allele origin: germline. Affected: yes.
Comment: The c.1887_1890delTTGT variant in the ZNF335 gene has not been reported previously as a pathogenic variant nor as a benign variant, to our knowledge. The c.1887_1890delTTGT variant causes a frameshift starting with codon Cysteine 630, changes this amino acid to a Lysine residue, and creates a premature Stop codon at position 7 of the new reading frame, denoted p.Cys630LysfsX7. This variant is predicted to cause loss of normal protein function either through protein truncation or nonsense-mediated mRNA decay. The c.1887_1890delTTGT variant is not observed at a significant frequency in large population cohorts (Lek et al., 2016). We interpret c.1887_1890delTTGT as a likely pathogenic variant.